The following is an entry in ClinVar:

NM_001429.4(EP300):c.6185G>C (p.Ser2062Thr)

Gene: EP300 (EP300 lysine acetyltransferase; plus strand). Cytogenetic location: 22q13.2.
Variant type: single nucleotide variant.
Coding change: c.6185G>C on transcript NM_001429.4 (MANE Select); coding-DNA position 6185, G replaced by C.
Protein change: p.Ser2062Thr; replaces serine 2062 with threonine.
Molecular consequence: missense variant.
Genome position (GRCh38, 1-based): chr22:41,177,896, G>C. VCF-style: chr22-41177896-G-C. GRCh37 (hg19) VCF-style: chr22-41573900-G-C.
Other names: c.6107G>C, p.Ser2036Thr (NM_001362843.2); short protein forms S2036T, S2062T.
Identifiers: ClinVar variation 3355457 (VCV003355457.2).

ClinVar aggregate classification (germline): Likely benign. Review status: criteria provided, single submitter (1 of 4 stars). 2 submissions from 2 submitters: Likely benign (1). 1 of the submissions does not count toward it. Last evaluated 2025-07-27.

Conditions:
Rubinstein-Taybi syndrome due to EP300 haploinsufficiency. Also called: EP300-Related Rubinstein-Taybi Syndrome; RUBINSTEIN-TAYBI SYNDROME 2. Identifiers: Orphanet 353284, Orphanet 783, MedGen C3150941, MONDO:0013364, OMIM 613684.
EP300-related disorder. Also called: EP300-related condition; EP300-related disorders.

gnomAD v4.1: 8 of 1,614,084 alleles (0.0005%); highest among the groups gnomAD compares: Non-Finnish European, 0.00059%; no homozygotes.

Submissions (2):

Labcorp Genetics (formerly Invitae), Labcorp
Classification: Likely benign for Rubinstein-Taybi syndrome due to EP300 haploinsufficiency. Last evaluated: 2025-07-27. Review status: criteria provided, single submitter. Criteria: Invitae Variant Classification Sherloc (09022015). Collection method: clinical testing. Allele origin: germline.

PreventionGenetics, part of Exact Sciences
Classification: Uncertain significance for EP300-related condition. Last evaluated: 2024-02-20. Review status: no assertion criteria provided. Collection method: clinical testing. Allele origin: germline. Not counted in ClinVar's aggregate classification.
Comment: The EP300 c.6185G>C variant is predicted to result in the amino acid substitution p.Ser2062Thr. To our knowledge, this variant has not been reported in the literature. This variant is reported in 0.0099% of alleles in individuals of Ashkenazi Jewish descent in gnomAD. At this time, the clinical significance of this variant is uncertain due to the absence of conclusive functional and genetic evidence.